The following is an entry in ClinVar:

NM_001110556.2(FLNA):c.1459G>A (p.Gly487Ser)

Gene: FLNA (filamin A; minus strand). Cytogenetic location: Xq28.
Variant type: single nucleotide variant.
Coding change: c.1459G>A on transcript NM_001110556.2 (MANE Select); coding-DNA position 1459, G replaced by A.
Protein change: p.Gly487Ser; replaces glycine 487 with serine.
Molecular consequence: missense variant.
Genome position (GRCh38, 1-based): chrX:154,365,457, C>T on the plus strand (G>A on the coding strand, the complement: FLNA is on the minus strand). VCF-style: chrX-154365457-C-T. GRCh37 (hg19) VCF-style: chrX-153593825-C-T.
Other names: c.1459G>A, p.Gly487Ser (NM_001456.4); short protein forms G487S.
Identifiers: ClinVar variation 1713970 (VCV001713970.6), dbSNP rs2522757901, ClinGen allele CA415243525.
Genomic context (GRCh38, chrX:154,365,457, plus strand): 5'-TGTACACCTTGAAGTCAGCTGTCTCCTTCACCCGCACACCCTTGGGCTGGAGGCCCCGGC[C>T]AACCGCCCGGCAGGCACTCGGGTTACAGGCTGCAGGCAGAGGGGCCAGCTGAGCACCAGC-3'
Protein context (NP_001104026.1, residues 477-497): ACNPSACRAV[Gly487Ser]RGLQPKGVRV

ClinVar aggregate classification (germline): Uncertain significance (1 of 4 stars; one submission).

Conditions:
Melnick-Needles syndrome (MNS). Also called: MELNICK-NEEDLES OSTEODYSPLASTY; OSTEODYSPLASTY OF MELNICK AND NEEDLES; Melnick-Needles Syndrome (FLNA-MNS). Identifiers: Orphanet 2484, MedGen C0025237, MONDO:0010650, OMIM 309350.
Heterotopia, periventricular, X-linked dominant (PVNH1). Also called: PERIVENTRICULAR NODULAR HETEROTOPIA 1; X-linked periventricular heterotopia; HETEROTOPIA, PERIVENTRICULAR, 1; PERIVENTRICULAR NODULAR HETEROTOPIA 4. Identifiers: Orphanet 2149, Orphanet 82004, MedGen C1848213, MONDO:0010233, OMIM 300049.
Oto-palato-digital syndrome, type II (OPD2). Also called: OPD II SYNDROME; Otopalatodigital Syndrome, Type II; FACIOPALATOOSSEOUS SYNDROME; Otopalatodigital Syndrome Type 2 (FLNA-OPD2). Identifiers: Orphanet 669, Orphanet 90652, MedGen C1844696, MONDO:0010571, OMIM 304120.
Frontometaphyseal dysplasia (FMD1). Identifiers: Orphanet 1826, MedGen C0265293, MONDO:0015942.

Submission:

Labcorp Genetics (formerly Invitae), Labcorp
Classification: Uncertain significance for Oto-palato-digital syndrome, type II; Heterotopia, periventricular, X-linked dominant; Frontometaphyseal dysplasia; Melnick-Needles syndrome. Last evaluated: 2022-07-27. Review status: criteria provided, single submitter. Criteria: Invitae Variant Classification Sherloc (09022015). Collection method: clinical testing. Allele origin: germline.
Comment: In summary, the available evidence is currently insufficient to determine the role of this variant in disease. Therefore, it has been classified as a Variant of Uncertain Significance. Advanced modeling of protein sequence and biophysical properties (such as structural, functional, and spatial information, amino acid conservation, physicochemical variation, residue mobility, and thermodynamic stability) performed at Invitae indicates that this missense variant is not expected to disrupt FLNA protein function. This variant has not been reported in the literature in individuals affected with FLNA-related conditions. This variant is not present in population databases (gnomAD no frequency). This sequence change replaces glycine, which is neutral and non-polar, with serine, which is neutral and polar, at codon 487 of the FLNA protein (p.Gly487Ser).